The following is an entry in ClinVar:

ClinVar aggregate classification (germline): Uncertain significance (1 of 4 stars; one submission).

Conditions:
ABCC2-related disorder. Also called: ABCC2-related condition.

gnomAD v4.1: 6 of 1,614,068 alleles (0.00037%); highest among the groups gnomAD compares: Admixed American, 0.0083%; no homozygotes.

Submission:

PreventionGenetics, part of Exact Sciences
Classification: Uncertain significance for ABCC2-related condition. Last evaluated: 2026-03-23. Review status: criteria provided, single submitter. Criteria: ACMG Guidelines, 2015. Collection method: clinical testing. Allele origin: germline.
Comment: The ABCC2 c.2962A>G variant is predicted to result in the amino acid substitution p.Met988Val. To our knowledge, this variant has not been reported in the literature. This variant is reported in 0.012% of alleles in individuals of Latino descent in gnomAD. At this time, the clinical significance of this variant is uncertain due to the absence of conclusive functional and genetic evidence.

NM_000392.5(ABCC2):c.2962A>G (p.Met988Val)

Gene: ABCC2 (ATP binding cassette subfamily C member 2; plus strand). Cytogenetic location: 10q24.2.
Variant type: single nucleotide variant.
Coding change: c.2962A>G on transcript NM_000392.5 (MANE Select); coding-DNA position 2962, A replaced by G.
Protein change: p.Met988Val; replaces methionine 988 with valine.
Molecular consequence: missense variant.
Genome position (GRCh38, 1-based): chr10:99,831,689, A>G. VCF-style: chr10-99831689-A-G. GRCh37 (hg19) VCF-style: chr10-101591446-A-G.
Other names: short protein forms M988V.
Identifiers: ClinVar variation 4980989 (VCV004980989.1).
Genomic context (GRCh38, chr10:99,831,689, plus strand): 5'-CTGGAGTACCTACAAGCAATAGGATTGTTTTCGATATTCTTCATCATCCTTGCGTTTGTG[A>G]TGAATTCTGTGGCTTTTATTGGATCCAACCTCTGGCTCAGTGCTTGGACCAGTGACTCTA-3'
Protein context (NP_000383.2, residues 978-998): SIFFIILAFV[Met988Val]NSVAFIGSNL